The following is an entry in ClinVar:

NM_005732.4(RAD50):c.1677C>G (p.His559Gln)

Gene: RAD50 (RAD50 double strand break repair protein; plus strand). Cytogenetic location: 5q31.1.
Variant type: single nucleotide variant.
Coding change: c.1677C>G on transcript NM_005732.4 (MANE Select); coding-DNA position 1677, C replaced by G.
Protein change: p.His559Gln; replaces histidine 559 with glutamine.
Molecular consequence: missense variant.
Genome position (GRCh38, 1-based): chr5:132,591,918, C>G. VCF-style: chr5-132591918-C-G. GRCh37 (hg19) VCF-style: chr5-131927610-C-G.
Other names: short protein forms H559Q.
Identifiers: ClinVar variation 141151 (VCV000141151.23), dbSNP rs142619269, ClinGen allele CA164620.

ClinVar aggregate classification (germline): Conflicting classifications of pathogenicity. Review status: criteria provided, conflicting classifications (1 of 4 stars). 4 submissions from 4 submitters: Uncertain significance (3); Likely benign (1). Last evaluated 2025-10-10.

Conditions:
Hereditary cancer-predisposing syndrome. Also called: Neoplastic Syndromes, Hereditary; Tumor predisposition; Hereditary Cancer Syndrome; Hereditary neoplastic syndrome. Identifiers: Orphanet 140162, MedGen C0027672, MeSH D009386, MONDO:0015356.
Nijmegen breakage syndrome-like disorder (NBSLD). Also called: MICROCEPHALY AND SPONTANEOUS CHROMOSOME INSTABILITY WITHOUT IMMUNODEFICIENCY; NBS-LIKE DISORDER; RAD50 DEFICIENCY. Identifiers: Orphanet 240760, MedGen C2751318, MONDO:0013118, OMIM 613078.

gnomAD v4.1: 12 of 1,608,704 alleles (0.00075%); highest among the groups gnomAD compares: Middle Eastern, 0.13%; no homozygotes.

Submissions (4):

Ambry Genetics
Classification: Uncertain significance for Hereditary cancer-predisposing syndrome. Last evaluated: 2025-10-10. Review status: criteria provided, single submitter. Criteria: Ambry Variant Classification Scheme 2023. Collection method: clinical testing. Allele origin: germline.
Comment: The p.H559Q variant (also known as c.1677C>G), located in coding exon 11 of the RAD50 gene, results from a C to G substitution at nucleotide position 1677. The histidine at codon 559 is replaced by glutamine, an amino acid with highly similar properties. This amino acid position is highly conserved in available vertebrate species. In addition, the in silico prediction for this alteration is inconclusive. Since supporting evidence is limited at this time, the clinical significance of this alteration remains unclear.

Labcorp Genetics (formerly Invitae), Labcorp
Classification: Likely benign for Hereditary cancer-predisposing syndrome. Last evaluated: 2024-10-08. Review status: criteria provided, single submitter. Criteria: Invitae Variant Classification Sherloc (09022015). Collection method: clinical testing. Allele origin: germline.

Fulgent Genetics
Classification: Uncertain significance for Nijmegen breakage syndrome-like disorder. Last evaluated: 2018-10-31. Review status: criteria provided, single submitter. Criteria: ACMG Guidelines, 2015. Collection method: clinical testing. Allele origin: unknown.

Genetic Services Laboratory, University of Chicago
Classification: Uncertain significance. Last evaluated: 2016-02-26. Review status: criteria provided, single submitter. Criteria: ACMG Guidelines, 2015. Collection method: clinical testing. Allele origin: germline. Affected: no.